The following is an entry in ClinVar:

ClinVar aggregate classification (germline): Uncertain significance (0 of 4 stars; one submission).

Conditions:
COL4A4-related disorder.

gnomAD v4.1: 1 of 1,613,706 alleles (0.000062%); highest among the groups gnomAD compares: Non-Finnish European, 0.000085%; no homozygotes.

Submission:

PreventionGenetics, part of Exact Sciences
Classification: Uncertain significance for COL4A4-related condition. Last evaluated: 2024-03-27. Review status: no assertion criteria provided. Collection method: clinical testing. Allele origin: germline.
Comment: The COL4A4 c.2471C>A variant is predicted to result in the amino acid substitution p.Pro824His. To our knowledge, this variant has not been reported in the literature or in a large population database, indicating this variant is rare. At this time, the clinical significance of this variant is uncertain due to the absence of conclusive functional and genetic evidence.

NM_000092.5(COL4A4):c.2471C>A (p.Pro824His)

Gene: COL4A4 (collagen type IV alpha 4 chain; minus strand). Cytogenetic location: 2q36.3.
Variant type: single nucleotide variant.
Coding change: c.2471C>A on transcript NM_000092.5 (MANE Select); coding-DNA position 2471, C replaced by A.
Protein change: p.Pro824His; replaces proline 824 with histidine.
Molecular consequence: missense variant.
Genome position (GRCh38, 1-based): chr2:227,057,513, G>T on the plus strand (C>A on the coding strand, the complement: COL4A4 is on the minus strand). VCF-style: chr2-227057513-G-T. GRCh37 (hg19) VCF-style: chr2-227922229-G-T.
Other names: short protein forms P824H.
Identifiers: ClinVar variation 3345813 (VCV003345813.1).